The following is an entry in ClinVar:

ClinVar aggregate classification (germline): Likely benign. Review status: criteria provided, multiple submitters, no conflicts (2 of 4 stars). 2 submissions from 2 submitters: Likely benign (2). Last evaluated 2026-09-01.

Allele frequency attached by ClinVar (database versions not stated): gnomAD 0.00003 and 0.00004; gnomAD exomes 0.00006 and 0.00009; TOPMed 0.00008; ExAC 0.00011; 1000 Genomes Project 30x 0.00016; 1000 Genomes Project 0.00020.
gnomAD v4.1: 91 of 1,608,924 alleles (0.0057%); highest among the groups gnomAD compares: Admixed American, 0.03%; no homozygotes.

Submissions (2):

CeGaT Center for Human Genetics Tuebingen
Classification: Likely benign. Last evaluated: 2026-09-01. Review status: criteria provided, single submitter. Criteria: CeGaT Center For Human Genetics Tuebingen Variant Classification Criteria Version 2. Collection method: clinical testing. Allele origin: germline. Affected: yes. Observed: 1 variant allele.
Comment: ADAMTS10: BP4, BP7

Labcorp Genetics (formerly Invitae), Labcorp
Classification: Likely benign. Last evaluated: 2025-12-03. Review status: criteria provided, single submitter. Criteria: Invitae Variant Classification Sherloc (09022015). Collection method: clinical testing. Allele origin: germline.

NM_030957.4(ADAMTS10):c.9C>T (p.Pro3=)

Gene: ADAMTS10 (ADAM metallopeptidase with thrombospondin type 1 motif 10; minus strand). Cytogenetic location: 19p13.2.
Variant type: single nucleotide variant.
Coding change: c.9C>T on transcript NM_030957.4 (MANE Select); coding-DNA position 9, C replaced by T.
Protein change: p.Pro3=; no amino-acid change (proline 3 retained).
Molecular consequence: synonymous variant.
Genome position (GRCh38, 1-based): chr19:8,605,702, G>A on the plus strand (C>T on the coding strand, the complement: ADAMTS10 is on the minus strand). VCF-style: chr19-8605702-G-A. GRCh37 (hg19) VCF-style: chr19-8670587-G-A.
Identifiers: ClinVar variation 1644282 (VCV001644282.9), dbSNP rs533319131, ClinGen allele CA9160970.